The following is an entry in ClinVar:

ClinVar aggregate classification (germline): Uncertain significance (1 of 4 stars; one submission).

Conditions:
Catecholaminergic polymorphic ventricular tachycardia 1. Also called: RYR2-Related Catecholaminergic Polymorphic Ventricular Tachycardia; VENTRICULAR TACHYCARDIA, STRESS-INDUCED POLYMORPHIC 1; VENTRICULAR TACHYCARDIA, CATECHOLAMINERGIC POLYMORPHIC, 1, WITH OR WITHOUT ATRIAL DYSFUNCTION AND/OR DILATED CARDIOMYOPATHY. Identifiers: Orphanet 3286, MedGen C1631597, MONDO:0011484, OMIM 604772.

Submission:

Labcorp Genetics (formerly Invitae), Labcorp
Classification: Uncertain significance for Catecholaminergic polymorphic ventricular tachycardia 1. Last evaluated: 2024-10-18. Review status: criteria provided, single submitter. Criteria: Invitae Variant Classification Sherloc (09022015). Collection method: clinical testing. Allele origin: germline.
Comment: This sequence change replaces arginine, which is basic and polar, with isoleucine, which is neutral and non-polar, at codon 2791 of the RYR2 protein (p.Arg2791Ile). This variant is not present in population databases (gnomAD no frequency). This variant has not been reported in the literature in individuals affected with RYR2-related conditions. ClinVar contains an entry for this variant (Variation ID: 1517069). Invitae Evidence Modeling of protein sequence and biophysical properties (such as structural, functional, and spatial information, amino acid conservation, physicochemical variation, residue mobility, and thermodynamic stability) indicates that this missense variant is not expected to disrupt RYR2 protein function with a negative predictive value of 95%. In summary, the available evidence is currently insufficient to determine the role of this variant in disease. Therefore, it has been classified as a Variant of Uncertain Significance.

NM_001035.3(RYR2):c.8372G>T (p.Arg2791Ile)

Gene: RYR2 (ryanodine receptor 2; plus strand). Cytogenetic location: 1q43.
Variant type: single nucleotide variant.
Coding change: c.8372G>T on transcript NM_001035.3 (MANE Select); coding-DNA position 8372, G replaced by T.
Protein change: p.Arg2791Ile; replaces arginine 2791 with isoleucine.
Molecular consequence: missense variant.
Genome position (GRCh38, 1-based): chr1:237,660,883, G>T. VCF-style: chr1-237660883-G-T. GRCh37 (hg19) VCF-style: chr1-237824183-G-T.
Other names: short protein forms R2791I.
Identifiers: ClinVar variation 1517069 (VCV001517069.9), dbSNP rs2148846476, ClinGen allele CA345401889.